The following is an entry in ClinVar:

ClinVar aggregate classification (germline): Uncertain significance (1 of 4 stars; one submission).

Submission:

Labcorp Genetics (formerly Invitae), Labcorp
Classification: Uncertain significance. Last evaluated: 2024-03-21. Review status: criteria provided, single submitter. Criteria: Invitae Variant Classification Sherloc (09022015). Collection method: clinical testing. Allele origin: germline.
Comment: This sequence change replaces alanine, which is neutral and non-polar, with serine, which is neutral and polar, at codon 271 of the TNFRSF6B protein (p.Ala271Ser). This variant is not present in population databases (gnomAD no frequency). This variant has not been reported in the literature in individuals affected with TNFRSF6B-related conditions. An algorithm developed to predict the effect of missense changes on protein structure and function (PolyPhen-2) suggests that this variant is likely to be tolerated. In summary, the available evidence is currently insufficient to determine the role of this variant in disease. Therefore, it has been classified as a Variant of Uncertain Significance.

NM_003823.4(TNFRSF6B):c.811G>T (p.Ala271Ser)

Genes: RTEL1-TNFRSF6B (RTEL1-TNFRSF6B readthrough (NMD candidate); plus strand), TNFRSF6B (TNF receptor superfamily member 6b; plus strand). Cytogenetic location: 20q13.33.
Variant type: single nucleotide variant.
Coding change: c.811G>T on transcript NM_003823.4 (MANE Select); coding-DNA position 811, G replaced by T.
Protein change: p.Ala271Ser; replaces alanine 271 with serine.
Molecular consequence: missense variant. On other transcripts: non-coding transcript variant (1).
Genome position (GRCh38, 1-based): chr20:63,698,471, G>T. VCF-style: chr20-63698471-G-T. GRCh37 (hg19) VCF-style: chr20-62329824-G-T.
Other names: short protein forms A271S.
Identifiers: ClinVar variation 3645483 (VCV003645483.2).